The following is an entry in ClinVar:

NM_002088.5(GRIK5):c.1742C>T (p.Ala581Val)

Gene: GRIK5 (glutamate ionotropic receptor kainate type subunit 5; minus strand). Cytogenetic location: 19q13.2.
Variant type: single nucleotide variant.
Coding change: c.1742C>T on transcript NM_002088.5 (MANE Select); coding-DNA position 1742, C replaced by T.
Protein change: p.Ala581Val; replaces alanine 581 with valine.
Molecular consequence: missense variant.
Genome position (GRCh38, 1-based): chr19:42,021,430, G>A on the plus strand (C>T on the coding strand, the complement: GRIK5 is on the minus strand). VCF-style: chr19-42021430-G-A. GRCh37 (hg19) VCF-style: chr19-42525582-G-A.
Other names: NC_000019.9:g.42525582G>A; c.1742C>T, p.Ala581Val (NM_001301030.2); short protein forms A581V.
Identifiers: ClinVar variation 3053754 (VCV003053754.3), dbSNP rs142317434, ClinGen allele CA9468297.
Genomic context (GRCh38, chr19:42,021,430, plus strand): 5'-CCCACGGGAAACCACAGGCTGTTGCCCAGCGTGTACTGGTTCTCCAGGATGTGGGGGCGT[G>A]CCCGCAGGCATGGGTGTGGGTTATACCACTCATAGGGGCTCAGCCTGTGGAGAGACGTGC-3'
Protein context (NP_002079.3, residues 571-591): EWYNPHPCLR[Ala581Val]RPHILENQYT

ClinVar aggregate classification (germline): Likely benign (0 of 4 stars; one submission).

Conditions:
GRIK5-related disorder. Also called: GRIK5-related condition.

Allele frequency attached by ClinVar (database versions not stated): ESP Exome Variant Server 0.00008; ExAC 0.00032; gnomAD 0.00033; gnomAD exomes 0.00033; 1000 Genomes Project 0.00040; TOPMed 0.00043; 1000 Genomes Project 30x 0.00047.
gnomAD v4.1: 529 of 1,607,178 alleles (0.033%); highest among the groups gnomAD compares: Admixed American, 0.13%; no homozygotes.

Submissions (3):

PreventionGenetics, part of Exact Sciences
Classification: Likely benign for GRIK5-related condition. Last evaluated: 2022-06-28. Review status: no assertion criteria provided. Collection method: clinical testing. Allele origin: germline.
Comment: This variant is classified as likely benign based on ACMG/AMP sequence variant interpretation guidelines (Richards et al. 2015 PMID: 25741868, with internal and published modifications).

Dr. Peter K. Rogan Lab, Western University
No classification provided (evidence only). Condition: Colon adenocarcinoma. Review status: no classification provided. Collection method: in vitro. Allele origin: not applicable. Functional consequence: retained intron. Not counted in ClinVar's aggregate classification.

Dr. Peter K. Rogan Lab, Western University
No classification provided (evidence only). Condition: Thyroid cancer, nonmedullary, 1. Review status: no classification provided. Collection method: in vitro. Allele origin: not applicable. Functional consequence: retained intron. Not counted in ClinVar's aggregate classification.